The following is an entry in ClinVar:

ClinVar aggregate classification (germline): Pathogenic. Review status: reviewed by expert panel (3 of 4 stars). 10 submissions from 10 submitters: Pathogenic (1). 9 of the submissions do not count toward it. Last evaluated 2016-10-18.

Conditions:
Hereditary cancer-predisposing syndrome. Also called: Hereditary Cancer Syndrome; Neoplastic Syndromes, Hereditary; Tumor predisposition; Hereditary neoplastic syndrome. Identifiers: Orphanet 140162, MedGen C0027672, MeSH D009386, MONDO:0015356.
Breast-ovarian cancer, familial, susceptibility to, 2 (BROVCA2). Also called: BRCA2 Hereditary Breast and Ovarian Cancer. Identifiers: Orphanet 145, MedGen C2675520, MONDO:0012933, OMIM 612555. Disease mechanism: loss of function.
Hereditary breast ovarian cancer syndrome. Also called: Hereditary breast and/or ovarian cancer syndrome; BRCA1- and BRCA2-Associated Hereditary Breast and Ovarian Cancer; Hereditary breast and ovarian cancer syndrome (HBOC); Hereditary breast and ovarian cancer; Hereditary breast and ovarian cancer syndrome; Breast and ovarian cancer. Identifiers: Orphanet 145, MedGen C0677776, MeSH D061325, MONDO:0003582. Disease mechanism: loss of function.

Allele frequency attached by ClinVar (database versions not stated): gnomAD exomes 0.00002.
gnomAD v4.1: 25 of 1,613,908 alleles (0.0015%); highest among the groups gnomAD compares: Non-Finnish European, 0.0021%; no homozygotes.

Submissions (10):

Evidence-based Network for the Interpretation of Germline Mutant Alleles (ENIGMA)
Classification: Pathogenic for Breast-ovarian cancer, familial, susceptibility to, 2. Last evaluated: 2016-10-18. Review status: reviewed by expert panel. Criteria: ENIGMA BRCA1/2 Classification Criteria (2015). Collection method: curation. Allele origin: germline.
Comment: Variant allele predicted to encode a truncated non-functional protein.

Labcorp Genetics (formerly Invitae), Labcorp
Classification: Pathogenic for Hereditary breast ovarian cancer syndrome. Last evaluated: 2025-05-11. Review status: criteria provided, single submitter. Criteria: Invitae Variant Classification Sherloc (09022015). Collection method: clinical testing. Allele origin: germline. Not counted in ClinVar's aggregate classification.
Comment: This sequence change creates a premature translational stop signal (p.Tyr1135*) in the BRCA2 gene. It is expected to result in an absent or disrupted protein product. Loss-of-function variants in BRCA2 are known to be pathogenic (PMID: 20104584). This variant is not present in population databases (gnomAD no frequency). This premature translational stop signal has been observed in individual(s) with breast and/or ovarian cancer or prostate cancer (PMID: 21952622, 22762150, 24728189, 29446198). ClinVar contains an entry for this variant (Variation ID: 231604). For these reasons, this variant has been classified as Pathogenic.

Quest Diagnostics Nichols Institute San Juan Capistrano
Classification: Pathogenic. Last evaluated: 2025-02-13. Review status: criteria provided, single submitter. Criteria: Quest Diagnostics criteria. Collection method: clinical testing. Allele origin: unknown. Not counted in ClinVar's aggregate classification.
Comment: The BRCA2 c.3405C>A (p.Tyr1135*) variant causes the premature termination of BRCA2 protein synthesis. This variant has been reported in the published literature in individuals with ovarian cancer (PMID: 24728189 (2014)), prostate cancer (PMID: 23569316 (2013), 21952622 (2011)) and a personal or family history of breast cancer (PMID: 22762150 (2012)). This variant has not been reported in large, multi-ethnic general populations (Genome Aggregation Database). Based on the available information, this variant is classified as pathogenic.

Ambry Genetics
Classification: Pathogenic for Hereditary cancer-predisposing syndrome. Last evaluated: 2024-08-09. Review status: criteria provided, single submitter. Criteria: Ambry Variant Classification Scheme 2023. Collection method: clinical testing. Allele origin: germline. Not counted in ClinVar's aggregate classification.
Comment: The p.Y1135* pathogenic mutation (also known as c.3405C>A), located in coding exon 10 of the BRCA2 gene, results from a C to A substitution at nucleotide position 3405. This changes the amino acid from a tyrosine to a stop codon within coding exon 10. This mutation has been reported in numerous individuals with personal and/or family history consistent with hereditary breast and ovarian cancer syndrome (Lecarpentier J et al. Breast Cancer Res., 2012 Jul;14:R99; Song H et al. Hum. Mol. Genet., 2014 Sep;23:4703-9; Rebbeck TR et al. Hum. Mutat., 2018 05;39:593-620). This mutation has also been reported in multiple individuals with prostate cancer (Kote-Jarai Z et al. Br J Cancer. 2011 Oct 11;105(8):1230-4; Castro E et al. J Clin Oncol. 2013 May 10; 31(14): 1748&ndash;1757). This variant is considered to be rare based on population cohorts in the Genome Aggregation Database (gnomAD). In addition to the clinical data presented in the literature, this alteration is expected to result in loss of function by premature protein truncation or nonsense-mediated mRNA decay. As such, this alteration is interpreted as a disease-causing mutation.

All of Us Research Program, National Institutes of Health
Classification: Pathogenic for Breast-ovarian cancer, familial, susceptibility to, 2. Last evaluated: 2023-10-02. Review status: criteria provided, single submitter. Criteria: ACMG Guidelines, 2015. Collection method: clinical testing. Allele origin: germline. Inheritance: Autosomal dominant inheritance. Observed: 1 variant allele, 1 heterozygote. Not counted in ClinVar's aggregate classification.
Comment: This variant changes 1 nucleotide in exon 11 of the BRCA2 gene, creating a premature translation stop signal. This variant is expected to result in an absent or non-functional protein product. Splice site prediction tools suggest that this variant may not impact RNA splicing. To our knowledge, functional studies have not been performed for this variant. This variant has been reported in individuals affected with prostate cancer and ovarian cancer (PMID: 21952622, 23569316, 24728189). This variant has not been identified in the general population by the Genome Aggregation Database (gnomAD). Loss of BRCA2 function is a known mechanism of disease. Based on the available evidence, this variant is classified as Pathogenic.

This study involves interpretation of variants in research participants for the purpose of population health screening. Participant phenotype was not available at the time of variant classification. Additional details can be found in publication PMID: 35346344, PMCID: PMC8962531

Color Diagnostics, LLC DBA Color Health
Classification: Pathogenic for Hereditary cancer-predisposing syndrome. Last evaluated: 2023-06-13. Review status: criteria provided, single submitter. Criteria: ACMG Guidelines, 2015. Collection method: clinical testing. Allele origin: germline. Not counted in ClinVar's aggregate classification.
Comment: This variant changes 1 nucleotide in exon 11 of the BRCA2 gene, creating a premature translation stop signal. This variant is expected to result in an absent or non-functional protein product. This variant has been reported in individuals affected with breast, prostate, or ovarian cancer (PMID: 21952622, 23569316, 24728189, 32338768, Color internal data) and has been identified in 10 families among the CIMBA participants (PMID: 29446198). This variant has not been identified in the general population by the Genome Aggregation Database (gnomAD). Loss of BRCA2 function is a known mechanism of disease. Based on the available evidence, this variant is classified as Pathogenic.

Revvity Omics, Revvity
Classification: Pathogenic. Last evaluated: 2022-12-05. Review status: criteria provided, single submitter. Criteria: ACMG Guidelines, 2015. Collection method: clinical testing. Allele origin: germline. Not counted in ClinVar's aggregate classification.

Laboratory for Molecular Medicine, Mass General Brigham Personalized Medicine
Classification: Likely pathogenic for Hereditary breast ovarian cancer syndrome. Last evaluated: 2019-10-11. Review status: criteria provided, single submitter. Criteria: ACMG Guidelines, 2015. Collection method: clinical testing. Allele origin: germline. Inheritance: Autosomal dominant inheritance. Not counted in ClinVar's aggregate classification.
Comment: The p.Tyr1135X variant in BRCA2 has been reported in one individual with prostate cancer (Kote-Jarai 2011). It was absent from large population studies. This variant has also been reported in ClinVar (Variation ID: 231604). This nonsense variant leads to a premature termination codon at position 1135, which is predicted to lead to a truncated or absent protein. Loss of function of the BRCA2 gene is an established disease mechanism in autosomal dominant hereditary breast and ovarian cancer syndrome (HBOC). In summary, although additional studies are required to fully establish its clinical significance, this variant meets criteria to be classified as likely pathogenic for autosomal dominant HBOC. ACMG/AMP Criteria applied: PVS1, PM2.

Women's Health and Genetics/Laboratory Corporation of America, LabCorp
Classification: Pathogenic for Hereditary breast and ovarian cancer syndrome. Last evaluated: 2018-12-11. Review status: criteria provided, single submitter. Criteria: LabCorp Variant Classification Summary - May 2015. Collection method: clinical testing. Allele origin: germline. Not counted in ClinVar's aggregate classification.
Comment: Variant summary: BRCA2 c.3405C>A (p.Tyr1135X) results in a premature termination codon, predicted to cause a truncation of the encoded protein or absence of the protein due to nonsense mediated decay, which are commonly known mechanisms for disease. The variant was absent in 248790 control chromosomes (gnomAD and publication). c.3405C>A has been reported in the literature in multiple individuals affected with Hereditary Breast and Ovarian Cancer and Prostate Cancer (Rebbeck_2018, Song_2014, Lecarpentier_2012, Kote-Jarai_2011). These data indicate that the variant is very likely to be associated with disease. To our knowledge, no experimental evidence demonstrating an impact on protein function has been reported. Four ClinVar submissions from clinical diagnostic laboratories and reputable databases (evaluation after 2014) cite the variant as pathogenic. Based on the evidence outlined above, the variant was classified as pathogenic.

Consortium of Investigators of Modifiers of BRCA1/2 (CIMBA), c/o University of Cambridge
Classification: Pathogenic for Breast-ovarian cancer, familial, susceptibility to, 2. Last evaluated: 2015-10-02. Review status: criteria provided, single submitter. Criteria: CIMBA Mutation Classification guidelines May 2016. Collection method: clinical testing. Allele origin: germline. Not counted in ClinVar's aggregate classification.

Literature cited by the submitters: PubMed 20104584 (cited by Labcorp Genetics (formerly Invitae), Labcorp); PubMed 21952622 (cited by 6 submitters); PubMed 22762150 (cited by 4 submitters); PubMed 24728189 (cited by 6 submitters); PubMed 29446198 (cited by 4 submitters); PubMed 23569316 (cited by 4 submitters); PubMed 32338768 (cited by Color Diagnostics, LLC DBA Color Health).

NM_000059.4(BRCA2):c.3405C>A (p.Tyr1135Ter)

Gene: BRCA2 (BRCA2 DNA repair associated; plus strand). Cytogenetic location: 13q13.1.
Variant type: single nucleotide variant.
Coding change: c.3405C>A on transcript NM_000059.4 (MANE Select); coding-DNA position 3405, C replaced by A.
Protein change: p.Tyr1135Ter; replaces tyrosine 1135 with a stop codon.
Molecular consequence: nonsense.
Genome position (GRCh38, 1-based): chr13:32,337,760, C>A. VCF-style: chr13-32337760-C-A. GRCh37 (hg19) VCF-style: chr13-32911897-C-A.
Other names: 3633C>A-Tyr1135ter; short protein forms Y1135*.
Identifiers: ClinVar variation 231604 (VCV000231604.29), dbSNP rs876659258, ClinGen allele CA10579576.